The following is an entry in ClinVar:

ClinVar aggregate classification (germline): Likely benign (0 of 4 stars; one submission).

Conditions:
NRXN3-related disorder. Also called: NRXN3-related condition.

Allele frequency attached by ClinVar (database versions not stated): gnomAD exomes below 0.00001; ExAC 0.00003; TOPMed 0.00009; gnomAD 0.00012; ESP Exome Variant Server 0.00015.
gnomAD v4.1: 27 of 1,613,926 alleles (0.0017%); highest among the groups gnomAD compares: African/African-American, 0.031%; no homozygotes.

Submission:

PreventionGenetics, part of Exact Sciences
Classification: Likely benign for NRXN3-related condition. Last evaluated: 2019-12-26. Review status: no assertion criteria provided. Collection method: clinical testing. Allele origin: germline.
Comment: This variant is classified as likely benign based on ACMG/AMP sequence variant interpretation guidelines (Richards et al. 2015 PMID: 25741868, with internal and published modifications).

NM_001330195.2(NRXN3):c.4377A>G (p.Pro1459=)

Gene: NRXN3 (neurexin 3; plus strand). Cytogenetic location: 14q31.1.
Variant type: single nucleotide variant.
Coding change: c.4377A>G on transcript NM_001330195.2 (MANE Select); coding-DNA position 4377, A replaced by G.
Protein change: p.Pro1459=; no amino-acid change (proline 1459 retained).
Molecular consequence: synonymous variant. On other transcripts: non-coding transcript variant (5), intron variant (4).
Genome position (GRCh38, 1-based): chr14:79,861,625, A>G. VCF-style: chr14-79861625-A-G. GRCh37 (hg19) VCF-style: chr14-80327968-A-G.
Other names: c.1575A>G, p.Pro525= (NM_001272020.2); c.4287A>G, p.Pro1429= (NM_001366425.1); c.4106-38A>G (NM_001366426.1); c.2885-38A>G (NM_004796.6); c.1079-38A>G (NM_001105250.3); c.998-38A>G (NM_138970.5).
Identifiers: ClinVar variation 3040453 (VCV003040453.2), dbSNP rs371317781, ClinGen allele CA7292476.